The following is an entry in ClinVar:

ClinVar aggregate classification (germline): Uncertain significance (1 of 4 stars; one submission).

Conditions:
Charcot-Marie-Tooth disease type 2. Also called: Charcot-Marie-Tooth type 2. Identifiers: Orphanet 64746, MedGen C0270914, MONDO:0018993.

Submission:

Labcorp Genetics (formerly Invitae), Labcorp
Classification: Uncertain significance for Charcot-Marie-Tooth disease type 2. Last evaluated: 2025-11-26. Review status: criteria provided, single submitter. Criteria: Invitae Variant Classification Sherloc (09022015). Collection method: clinical testing. Allele origin: germline.
Comment: This sequence change replaces phenylalanine, which is neutral and non-polar, with leucine, which is neutral and non-polar, at codon 1621 of the KIF1B protein (p.Phe1621Leu). This variant is not present in population databases (gnomAD no frequency). This variant has not been reported in the literature in individuals affected with KIF1B-related conditions. ClinVar contains an entry for this variant (Variation ID: 2166805). An algorithm developed to predict the effect of missense changes on protein structure and function (PolyPhen-2) suggests that this variant is likely to be tolerated. In summary, the available evidence is currently insufficient to determine the role of this variant in disease. Therefore, it has been classified as a Variant of Uncertain Significance.

NM_001365951.3(KIF1B):c.4999T>C (p.Phe1667Leu)

Gene: KIF1B (kinesin family member 1B; plus strand). Cytogenetic location: 1p36.22.
Variant type: single nucleotide variant.
Coding change: c.4999T>C on transcript NM_001365951.3 (MANE Select); coding-DNA position 4999, T replaced by C.
Protein change: p.Phe1667Leu; replaces phenylalanine 1667 with leucine.
Molecular consequence: missense variant.
Genome position (GRCh38, 1-based): chr1:10,374,368, T>C. VCF-style: chr1-10374368-T-C. GRCh37 (hg19) VCF-style: chr1-10434426-T-C.
Other names: c.4999T>C, p.Phe1667Leu (NM_001365952.1); c.4861T>C, p.Phe1621Leu (NM_015074.3); short protein forms F1667L, F1621L.
Identifiers: ClinVar variation 2166805 (VCV002166805.4), dbSNP rs985319077, ClinGen allele CA17855882.